The following is an entry in ClinVar:

ClinVar aggregate classification (germline): Benign/Likely benign. Review status: criteria provided, multiple submitters, no conflicts (2 of 4 stars). 9 submissions from 8 submitters: Benign (3); Likely benign (4). 2 of the submissions do not count toward it. Last evaluated 2026-01-28.

Conditions:
WFS1-Related Spectrum Disorders.
Autosomal dominant nonsyndromic hearing loss 6 (LFSNHL). Also called: Autosomal dominant nonsyndromic deafness 6; DEAFNESS, AUTOSOMAL DOMINANT 14; DEAFNESS, AUTOSOMAL DOMINANT 38; DEAFNESS, AUTOSOMAL DOMINANT 6. Identifiers: Orphanet 90635, MedGen C1833021, MONDO:0010963, OMIM 600965.

Allele frequency attached by ClinVar (database versions not stated): gnomAD 0.00028 and 0.00042; TOPMed 0.00044; gnomAD exomes 0.00094; ExAC 0.00152; 1000 Genomes Project 30x 0.00250; 1000 Genomes Project 0.00280.
gnomAD v4.1: 536 of 1,566,142 alleles (0.034%); highest among the groups gnomAD compares: East Asian, 0.79%; 3 homozygotes.

Submissions (9):

Labcorp Genetics (formerly Invitae), Labcorp
Classification: Benign. Last evaluated: 2026-01-28. Review status: criteria provided, single submitter. Criteria: Invitae Variant Classification Sherloc (09022015). Collection method: clinical testing. Allele origin: germline.

Blueprint Genetics
Classification: Likely benign. Last evaluated: 2024-11-05. Review status: criteria provided, single submitter. Criteria: ACMG Guidelines, 2015. Collection method: clinical testing. Allele origin: germline.

GeneDx
Classification: Likely benign. Last evaluated: 2020-09-28. Review status: criteria provided, single submitter. Criteria: GeneDx Variant Classification Process June 2021. Collection method: clinical testing. Allele origin: germline. Affected: yes.
Comment: This variant is associated with the following publications: (PMID: 17492394, 27013921, 15234338)

Illumina Laboratory Services, Illumina
Classification: Likely benign for Autosomal dominant nonsyndromic hearing loss 6. Last evaluated: 2017-04-27. Review status: criteria provided, single submitter. Criteria: ICSL Variant Classification Criteria 13 December 2019. Collection method: clinical testing. Allele origin: germline.
Comment: This variant was observed as part of a predisposition screen in an ostensibly healthy population. A literature search was performed for the gene, cDNA change, and amino acid change (where applicable). Publications were found based on this search. The evidence from the literature, in combination with allele frequency data from public databases where available, was sufficient to determine this variant is unlikely to cause disease. Therefore, this variant is classified as likely benign.

Illumina Laboratory Services, Illumina
Classification: Likely benign for WFS1-Related Spectrum Disorders. Last evaluated: 2017-04-27. Review status: criteria provided, single submitter. Criteria: ICSL Variant Classification Criteria 13 December 2019. Collection method: clinical testing. Allele origin: germline.
Comment: the same text as in the submission from Illumina Laboratory Services, Illumina above.

Laboratory for Molecular Medicine, Mass General Brigham Personalized Medicine
Classification: Benign. Last evaluated: 2015-05-05. Review status: criteria provided, single submitter. Criteria: LMM Criteria. Collection method: clinical testing. Allele origin: germline. Observed: 3 variant alleles.
Comment: p.Gln14Arg in exon 2 of WFS1: This variant is not expected to have clinical sign ificance because it has been identified in 2.5% (28/1128) of East Asian chromoso mes by the Exome Aggregation Consortium (ExAC; d bSNP rs142651446).

PreventionGenetics, part of Exact Sciences
Classification: Benign. Review status: criteria provided, single submitter. Criteria: ACMG Guidelines, 2015. Collection method: clinical testing. Allele origin: germline.

Clinical Genetics DNA and cytogenetics Diagnostics Lab, Erasmus MC, Erasmus Medical Center
Classification: Likely benign. Review status: no assertion criteria provided. Collection method: clinical testing. Allele origin: germline. Affected: yes. Study: VKGL Data-share Consensus. Not counted in ClinVar's aggregate classification.

Laboratory of Diagnostic Genome Analysis, Leiden University Medical Center (LUMC)
Classification: Likely benign. Review status: no assertion criteria provided. Collection method: clinical testing. Allele origin: germline. Affected: yes. Study: VKGL Data-share Consensus. Not counted in ClinVar's aggregate classification.

Literature cited by the submitters: PubMed 17492394 (cited by Illumina Laboratory Services, Illumina); PubMed 12955714 (cited by Illumina Laboratory Services, Illumina); PubMed 15234338 (cited by Illumina Laboratory Services, Illumina).

NM_006005.3(WFS1):c.41A>G (p.Gln14Arg)

Gene: WFS1 (wolframin ER transmembrane glycoprotein; plus strand). Cytogenetic location: 4p16.1.
Variant type: single nucleotide variant.
Coding change: c.41A>G on transcript NM_006005.3 (MANE Select); coding-DNA position 41, A replaced by G.
Protein change: p.Gln14Arg; replaces glutamine 14 with arginine.
Molecular consequence: missense variant.
Genome position (GRCh38, 1-based): chr4:6,277,496, A>G. VCF-style: chr4-6277496-A-G. GRCh37 (hg19) VCF-style: chr4-6279223-A-G.
Other names: c.41A>G, p.Gln14Arg (NM_001145853.1); short protein forms Q14R.
Identifiers: ClinVar variation 227152 (VCV000227152.24), dbSNP rs142651446, ClinGen allele CA2838780.
Genomic context (GRCh38, chr4:6,277,496, plus strand): 5'-TGACTTTTCTTCCAGGCAGGATGGACTCCAACACTGCTCCGCTGGGCCCCTCCTGCCCAC[A>G]GCCCCCGCCAGCACCGCAGCCCCAGGCGCGTTCCCGACTCAATGCCACAGCCTCGTTGGA-3'
Protein context (NP_005996.2, residues 4-24): NTAPLGPSCP[Gln14Arg]PPPAPQPQAR